The following is an entry in ClinVar:

ClinVar aggregate classification (germline): Uncertain significance (1 of 4 stars; one submission).

Conditions:
Cardiovascular phenotype. Identifiers: MedGen CN230736.

gnomAD v4.1: 1 of 1,606,742 alleles (0.000062%); highest among the groups gnomAD compares: African/African-American, 0.0013%; no homozygotes.

Submission:

Ambry Genetics
Classification: Uncertain significance for Cardiovascular phenotype. Last evaluated: 2024-10-21. Review status: criteria provided, single submitter. Criteria: Ambry Variant Classification Scheme 2023. Collection method: clinical testing. Allele origin: germline.
Comment: The p.L18F variant (also known as c.52C>T), located in coding exon 1 of the CACNA2D1 gene, results from a C to T substitution at nucleotide position 52. The leucine at codon 18 is replaced by phenylalanine, an amino acid with highly similar properties. This amino acid position is conserved. In addition, this alteration is predicted to be tolerated by in silico analysis. Based on the available evidence, the clinical significance of this variant remains unclear.

NM_000722.4(CACNA2D1):c.52C>T (p.Leu18Phe)

Gene: CACNA2D1 (calcium voltage-gated channel auxiliary subunit alpha2delta 1; minus strand). Cytogenetic location: 7q21.11.
Variant type: single nucleotide variant.
Coding change: c.52C>T on transcript NM_000722.4 (MANE Select); coding-DNA position 52, C replaced by T.
Protein change: p.Leu18Phe; replaces leucine 18 with phenylalanine.
Molecular consequence: missense variant.
Genome position (GRCh38, 1-based): chr7:82,443,408, G>A on the plus strand (C>T on the coding strand, the complement: CACNA2D1 is on the minus strand). VCF-style: chr7-82443408-G-A. GRCh37 (hg19) VCF-style: chr7-82072724-G-A.
Other names: c.52C>T, p.Leu18Phe (NM_001302890.2, NM_001366867.1); short protein forms L18F.
Identifiers: ClinVar variation 3484091 (VCV003484091.1).